The following is an entry in ClinVar:

ClinVar aggregate classification (germline): Uncertain significance. Review status: criteria provided, multiple submitters, no conflicts (2 of 4 stars). 2 submissions from 2 submitters: Uncertain significance (2). Last evaluated 2025-11-11.

Conditions:
Hereditary cancer-predisposing syndrome. Also called: Hereditary Cancer Syndrome; Hereditary neoplastic syndrome; Tumor predisposition; Neoplastic Syndromes, Hereditary. Identifiers: Orphanet 140162, MedGen C0027672, MeSH D009386, MONDO:0015356.
Hereditary nonpolyposis colorectal neoplasms. Identifiers: MedGen C0009405, MeSH D003123.

Submissions (2):

Labcorp Genetics (formerly Invitae), Labcorp
Classification: Uncertain significance for Hereditary nonpolyposis colorectal neoplasms. Last evaluated: 2025-11-11. Review status: criteria provided, single submitter. Criteria: Invitae Variant Classification Sherloc (09022015). Collection method: clinical testing. Allele origin: germline.
Comment: This sequence change replaces glutamic acid, which is acidic and polar, with lysine, which is basic and polar, at codon 760 of the MSH6 protein (p.Glu760Lys). This variant is not present in population databases (gnomAD no frequency). This variant has not been reported in the literature in individuals affected with MSH6-related conditions. ClinVar contains an entry for this variant (Variation ID: 1788889). Invitae Evidence Modeling of protein sequence and biophysical properties (such as structural, functional, and spatial information, amino acid conservation, physicochemical variation, residue mobility, and thermodynamic stability) indicates that this missense variant is not expected to disrupt MSH6 protein function with a negative predictive value of 95%. In summary, the available evidence is currently insufficient to determine the role of this variant in disease. Therefore, it has been classified as a Variant of Uncertain Significance.

Ambry Genetics
Classification: Uncertain significance for Hereditary cancer-predisposing syndrome. Last evaluated: 2025-06-12. Review status: criteria provided, single submitter. Criteria: Ambry Variant Classification Scheme 2023. Collection method: clinical testing. Allele origin: germline.
Comment: The p.E760K variant (also known as c.2278G>A), located in coding exon 4 of the MSH6 gene, results from a G to A substitution at nucleotide position 2278. The glutamic acid at codon 760 is replaced by lysine, an amino acid with similar properties. This amino acid position is well conserved in available vertebrate species. In addition, this alteration is predicted to be deleterious by in silico analysis. Since supporting evidence is limited at this time, the clinical significance of this alteration remains unclear.

NM_000179.3(MSH6):c.2278G>A (p.Glu760Lys)

Gene: MSH6 (mutS homolog 6; plus strand). Cytogenetic location: 2p16.3.
Variant type: single nucleotide variant.
Coding change: c.2278G>A on transcript NM_000179.3 (MANE Select); coding-DNA position 2278, G replaced by A.
Protein change: p.Glu760Lys; replaces glutamic acid 760 with lysine.
Molecular consequence: missense variant.
Genome position (GRCh38, 1-based): chr2:47,800,261, G>A. VCF-style: chr2-47800261-G-A. GRCh37 (hg19) VCF-style: chr2-48027400-G-A.
Other names: c.1888G>A, p.Glu630Lys (NM_001281492.2); c.1372G>A, p.Glu458Lys (NM_001281493.2, NM_001281494.2, NM_001406811.1 and 6 more transcripts); c.2374G>A, p.Glu792Lys (NM_001406795.1, NM_001406802.1); c.2278G>A, p.Glu760Lys (NM_001406796.1, NM_001406798.1, NM_001406800.1 and 3 more transcripts); c.1981G>A, p.Glu661Lys (NM_001406797.1, NM_001406801.1, NM_001406805.1 and 10 more transcripts); c.1753G>A, p.Glu585Lys (NM_001406799.1, NM_001406806.1, NM_001406807.1); c.2200G>A, p.Glu734Lys (NM_001406804.1); c.2284G>A, p.Glu762Lys (NM_001406813.1); and 1 more; short protein forms E630K, E704K, E762K, E585K, E661K, E792K, E458K, E734K.
Identifiers: ClinVar variation 1788889 (VCV001788889.8), dbSNP rs1322642187, ClinGen allele CA346752868.